The following is an entry in ClinVar:

ClinVar aggregate classification (germline): Likely pathogenic (1 of 4 stars; one submission).

gnomAD v4.1: 1 of 1,613,910 alleles (0.000062%); highest among the groups gnomAD compares: East Asian, 0.0022%; no homozygotes.

Submission:

Mayo Clinic Laboratories, Mayo Clinic
Classification: Likely pathogenic. Last evaluated: 2024-04-10. Review status: criteria provided, single submitter. Criteria: ACMG Guidelines, 2015. Collection method: clinical testing. Allele origin: germline. Observed: 1 variant allele.
Comment: PP3, PM2_moderate, PM3_strong, PS4_moderate

Literature cited by the submitters: PubMed 24565865; PubMed 32613234; PubMed 35861376; PubMed 37198191.

NM_004562.3(PRKN):c.8T>A (p.Val3Glu)

Gene: PRKN (parkin RBR E3 ubiquitin protein ligase; minus strand). Cytogenetic location: 6q26.
Variant type: single nucleotide variant.
Coding change: c.8T>A on transcript NM_004562.3 (MANE Select); coding-DNA position 8, T replaced by A.
Protein change: p.Val3Glu; replaces valine 3 with glutamic acid.
Molecular consequence: missense variant.
Genome position (GRCh38, 1-based): chr6:162,443,473, A>T on the plus strand (T>A on the coding strand, the complement: PRKN is on the minus strand). VCF-style: chr6-162443473-A-T. GRCh37 (hg19) VCF-style: chr6-162864505-A-T.
Other names: p.Val3Glu; c.8T>A, p.Val3Glu (NM_013987.3, NM_013988.3); short protein forms V3E.
Identifiers: ClinVar variation 3381019 (VCV003381019.1).